The following is an entry in ClinVar:

NM_032383.5(HPS3):c.2974C>A (p.Pro992Thr)

Genes: CP (ceruloplasmin; minus strand), HPS3 (HPS3 biogenesis of lysosomal organelles complex 2 subunit 1; plus strand). Cytogenetic location: 3q24.
Variant type: single nucleotide variant.
Coding change: c.2974C>A on transcript NM_032383.5 (MANE Select); coding-DNA position 2974, C replaced by A.
Protein change: p.Pro992Thr; replaces proline 992 with threonine.
Molecular consequence: missense variant.
Genome position (GRCh38, 1-based): chr3:149,172,181, C>A. VCF-style: chr3-149172181-C-A. GRCh37 (hg19) VCF-style: chr3-148889968-C-A.
Other names: c.2479C>A, p.Pro827Thr (NM_001308258.2); short protein forms P827T, P992T.
Identifiers: ClinVar variation 1995311 (VCV001995311.4), dbSNP rs1725060294, ClinGen allele CA354927308.

ClinVar aggregate classification (germline): Uncertain significance (1 of 4 stars; one submission).

Allele frequency attached by ClinVar (database versions not stated): gnomAD 0.00001.
gnomAD v4.1: 1 of 1,613,134 alleles (0.000062%); no homozygotes.

Submission:

Labcorp Genetics (formerly Invitae), Labcorp
Classification: Uncertain significance. Last evaluated: 2022-05-16. Review status: criteria provided, single submitter. Criteria: Invitae Variant Classification Sherloc (09022015). Collection method: clinical testing. Allele origin: germline.
Comment: This variant has not been reported in the literature in individuals affected with HPS3-related conditions. In summary, the available evidence is currently insufficient to determine the role of this variant in disease. Therefore, it has been classified as a Variant of Uncertain Significance. Algorithms developed to predict the effect of missense changes on protein structure and function are either unavailable or do not agree on the potential impact of this missense change (SIFT: "Deleterious"; PolyPhen-2: "Probably Damaging"; Align-GVGD: "Class C0"). This variant is not present in population databases (gnomAD no frequency). This sequence change replaces proline, which is neutral and non-polar, with threonine, which is neutral and polar, at codon 992 of the HPS3 protein (p.Pro992Thr).